The following is an entry in ClinVar:

NM_024740.2(ALG9):c.11G>A (p.Arg4Gln)

Genes: ALG9 (ALG9 alpha-1,2-mannosyltransferase; minus strand), LOC130006752 (ATAC-STARR-seq lymphoblastoid silent region 3902; plus strand). Cytogenetic location: 11q23.1.
Variant type: single nucleotide variant.
Coding change: c.11G>A on transcript NM_024740.2 (MANE Select); coding-DNA position 11, G replaced by A.
Protein change: p.Arg4Gln; replaces arginine 4 with glutamine.
Molecular consequence: missense variant. On other transcripts: 5 prime UTR variant (3).
Genome position (GRCh38, 1-based): chr11:111,871,472, C>T on the plus strand (G>A on the coding strand, the complement: ALG9 is on the minus strand). VCF-style: chr11-111871472-C-T. GRCh37 (hg19) VCF-style: chr11-111742196-C-T.
Other names: c.11G>A, p.Arg4Gln (NM_001077690.1, NM_001352417.1, NM_001352418.1); c.-364G>A (NM_001352409.1); c.-507G>A (NM_001352410.1, NM_001352413.1); short protein forms R4Q.
Identifiers: ClinVar variation 2091484 (VCV002091484.4), dbSNP rs28411399, ClinGen allele CA382616849.
Genomic context (GRCh38, chr11:111,871,472, plus strand): 5'-GCAGCCGGGGCCGTATCCCCACTGCTGGCCCCGCTGCCCTTCAGGCGCTGCCGAGCCCCT[C>T]GACTAGCCATGGCAAGCCTGGGGAAAAAAGAATTCGGCACCCTATGAAGTCGGTGAGCGC-3'
Protein context (NP_079016.2, residues 1-14): MAS[Arg4Gln]GARQRLKGSG

ClinVar aggregate classification (germline): Uncertain significance (1 of 4 stars; one submission).

Conditions:
ALG9 congenital disorder of glycosylation (CDG1L). Also called: ALG9-CDG; CDG Il; CONGENITAL DISORDER OF GLYCOSYLATION, TYPE Il. Identifiers: Orphanet 79328, MedGen C2931006, MONDO:0012117, OMIM 608776.

gnomAD v4.1: 1 of 1,536,684 alleles (0.000065%); highest among the groups gnomAD compares: African/African-American, 0.0014%; no homozygotes.

Submission:

Labcorp Genetics (formerly Invitae), Labcorp
Classification: Uncertain significance for ALG9 congenital disorder of glycosylation. Last evaluated: 2023-11-27. Review status: criteria provided, single submitter. Criteria: Invitae Variant Classification Sherloc (09022015). Collection method: clinical testing. Allele origin: germline.
Comment: This sequence change replaces arginine, which is basic and polar, with glutamine, which is neutral and polar, at codon 4 of the ALG9 protein (p.Arg4Gln). This variant is not present in population databases (gnomAD no frequency). This variant has not been reported in the literature in individuals affected with ALG9-related conditions. ClinVar contains an entry for this variant (Variation ID: 2091484). Experimental studies and prediction algorithms are not available or were not evaluated, and the functional significance of this variant is currently unknown. In summary, the available evidence is currently insufficient to determine the role of this variant in disease. Therefore, it has been classified as a Variant of Uncertain Significance.